The following is an entry in ClinVar:

ClinVar aggregate classification (germline): Pathogenic/Likely pathogenic. Review status: criteria provided, multiple submitters, no conflicts (2 of 4 stars). 5 submissions from 5 submitters: Pathogenic (3); Likely pathogenic (1). 1 of the submissions does not count toward it. Last evaluated 2026-01-27.

Conditions:
DCTN1-related disorder. Also called: DCTN1-related condition.
Hereditary motor neuron disease. Also called: Genetic motor neuron disease. Identifiers: Orphanet 98505, MedGen C0270763, MONDO:0024257.
Amyotrophic lateral sclerosis type 1 (ALS1). Also called: AMYOTROPHIC LATERAL SCLEROSIS 1, FAMILIAL. Identifiers: Orphanet 803, MedGen C1862939, MONDO:0007103, OMIM 105400.
Perry syndrome. Also called: PARKINSONISM WITH ALVEOLAR HYPOVENTILATION AND MENTAL DEPRESSION. Identifiers: Orphanet 178509, MedGen C1868594, MONDO:0008201, OMIM 168605.
Neuronopathy, distal hereditary motor, type 7B. Also called: HMN VIIB; NEURONOPATHY, DISTAL HEREDITARY MOTOR, AUTOSOMAL DOMINANT 14; NEURONOPATHY, DISTAL HEREDITARY MOTOR, HARDING TYPE VIIB; NEUROPATHY, DISTAL HEREDITARY MOTOR, HARDING TYPE VIIB; NEUROPATHY, DISTAL HEREDITARY MOTOR, WITH VOCAL CORD PARALYSIS, HARDING TYPE VIIB; LOWER MOTOR NEURON DISEASE, DYNACTIN TYPE. Identifiers: Orphanet 139589, MedGen C1843315, MONDO:0011879, OMIM 607641.

Allele frequency attached by ClinVar (database versions not stated): gnomAD exomes below 0.00001.

Submissions (5):

Labcorp Genetics (formerly Invitae), Labcorp
Classification: Pathogenic for Amyotrophic lateral sclerosis type 1; Neuronopathy, distal hereditary motor, type 7B; Perry syndrome. Last evaluated: 2026-01-27. Review status: criteria provided, single submitter. Criteria: Invitae Variant Classification Sherloc (09022015). Collection method: clinical testing. Allele origin: germline.
Comment: This sequence change affects a donor splice site in intron 2 of the DCTN1 gene. It is expected to disrupt RNA splicing. Variants that disrupt the donor or acceptor splice site typically lead to a loss of protein function (PMID: 16199547), however the current clinical and genetic evidence is not sufficient to establish whether loss-of-function variants in DCTN1 cause disease. This variant is present in population databases (no rsID available, gnomAD 0.003%). Disruption of this splice site has been observed in individual(s) with clinical features of hereditary motor neuropathy (PMID: 25590979; internal data). In at least one individual the variant was observed to be de novo. It has also been observed to segregate with disease in related individuals. ClinVar contains an entry for this variant (Variation ID: 565763). Algorithms developed to predict the effect of sequence changes on RNA splicing suggest that this variant may disrupt the consensus splice site. For these reasons, this variant has been classified as Pathogenic.

3billion
Classification: Pathogenic for DCTN1-related disorder. Last evaluated: 2025-01-09. Review status: criteria provided, single submitter. Criteria: ACMG Guidelines, 2015. Collection method: clinical testing. Allele origin: germline. Affected: yes.
Comment: The variant is observed at an extremely low frequency in the gnomAD v4.1.0 dataset (total allele frequency: <0.001%). Predicted Consequence/Location: Canonical splice site: predicted to alter splicing and result in a loss or disruption of normal protein function. Multiple pathogenic loss-of-function variants are reported downstream of the variant. In silico tools predict the variant to alter splicing and produce an abnormal transcript [SpliceAI: 1.00 (spliceogenicity >=0.2, non-spliceogenicity <0.1)]. The variant has been reported at least twice as pathogenic with clinical assertions and evidence for the classification (ClinVar ID: VCV000565763). Therefore, this variant is classified as Pathogenic according to the recommendation of ACMG/AMP guideline.

Athena Diagnostics
Classification: Pathogenic. Last evaluated: 2024-06-03. Review status: criteria provided, single submitter. Criteria: Athena Diagnostics Criteria. Collection method: clinical testing. Allele origin: unknown.
Comment: The frequency of this variant in the general population is consistent with pathogenicity. This variant has been identified in at least one individual with Perry syndrome. This variant is expected to impact normal RNA splicing. Though the reading frame of the transcript is expected to be maintained, an important region of the protein is disrupted, therefore, this variant is expected to severely disrupt function. A variant expected to cause the same impact in normal RNA splicing has been confirmed to occur de novo in multiple individuals with Perry syndrome.

GeneDx
Classification: Likely pathogenic. Last evaluated: 2019-05-10. Review status: criteria provided, single submitter. Criteria: GeneDx Variant Classification Process June 2021. Collection method: clinical testing. Allele origin: germline. Affected: yes.
Comment: Canonical splice site variant predicted to result in an in-frame deletion of a critical region (CAP-Gly domain and GKNDG motif); A different nucleotide change at this same splice donor site (c.279+2T>C) has been reported in an individual with muscle wasting, weakness, and fasciculations (Zhu et al., 2015); Not observed at a significant frequency in large population cohorts (Lek et al., 2016); Has not been previously reported as pathogenic or benign to our knowledge

Inherited Neuropathy Consortium
Classification: Likely pathogenic for Hereditary motor neuron disease. Review status: no assertion criteria provided. Collection method: provider interpretation. Allele origin: inherited. Affected: yes. Not counted in ClinVar's aggregate classification.

Literature cited by the submitters: PubMed 16199547 (cited by Labcorp Genetics (formerly Invitae), Labcorp); PubMed 25590979 (cited by Labcorp Genetics (formerly Invitae), Labcorp); PubMed 37668947 (cited by Athena Diagnostics).

NM_004082.5(DCTN1):c.279+1G>T

Gene: DCTN1 (dynactin subunit 1; minus strand). Cytogenetic location: 2p13.1.
Variant type: single nucleotide variant.
Coding change: c.279+1G>T on transcript NM_004082.5 (MANE Select); the canonical splice donor site of the intron after coding-DNA position 279, G replaced by T.
Molecular consequence: splice donor variant.
Genome position (GRCh38, 1-based): chr2:74,377,999, C>A on the plus strand (G>T on the coding strand, the complement: DCTN1 is on the minus strand). VCF-style: chr2-74377999-C-A. GRCh37 (hg19) VCF-style: chr2-74605126-C-A.
Other names: c.228+1G>T (NM_001190836.2, NM_001378992.1, NM_001378991.1); c.279+1G>T (NM_001135040.3, NM_001190837.2).
Identifiers: ClinVar variation 565763 (VCV000565763.16), dbSNP rs1393363759, ClinGen allele CA347321486.